The following is an entry in ClinVar:

ClinVar aggregate classification (germline): Uncertain significance. Review status: criteria provided, multiple submitters, no conflicts (2 of 4 stars). 2 submissions from 2 submitters: Uncertain significance (2). Last evaluated 2026-06-30.

Conditions:
LEPR-related disorder. Also called: LEPR-related condition; LEPR-related disorders.
Inborn genetic diseases. Identifiers: MedGen C0950123, MeSH D030342.

gnomAD v4.1: 5 of 1,613,576 alleles (0.00031%); highest among the groups gnomAD compares: Non-Finnish European, 0.00042%; no homozygotes.

Submissions (2):

PreventionGenetics, part of Exact Sciences
Classification: Uncertain significance for LEPR-related condition. Last evaluated: 2026-06-30. Review status: criteria provided, single submitter. Criteria: ACMG Guidelines, 2015. Collection method: clinical testing. Allele origin: germline.
Comment: The LEPR c.62C>T variant is predicted to result in the amino acid substitution p.Ala21Val. To our knowledge, this variant has not been reported in the literature. This variant is reported in 0.0040% of alleles in individuals of African descent in gnomAD. At this time, the clinical significance of this variant is uncertain due to the absence of conclusive functional and genetic evidence.

Ambry Genetics
Classification: Uncertain significance for Inborn genetic diseases. Last evaluated: 2024-06-02. Review status: criteria provided, single submitter. Criteria: Ambry Variant Classification Scheme 2023. Collection method: clinical testing. Allele origin: germline.

NM_002303.6(LEPR):c.62C>T (p.Ala21Val)

Gene: LEPR (leptin receptor; plus strand). Cytogenetic location: 1p31.3.
Variant type: single nucleotide variant.
Coding change: c.62C>T on transcript NM_002303.6 (MANE Select); coding-DNA position 62, C replaced by T.
Protein change: p.Ala21Val; replaces alanine 21 with valine.
Molecular consequence: missense variant.
Genome position (GRCh38, 1-based): chr1:65,570,494, C>T. VCF-style: chr1-65570494-C-T. GRCh37 (hg19) VCF-style: chr1-66036177-C-T.
Other names: c.62C>T, p.Ala21Val (NM_001003679.3, NM_001003680.3, NM_001198687.2 and 2 more transcripts); short protein forms A21V.
Identifiers: ClinVar variation 3290484 (VCV003290484.2).